The following is an entry in ClinVar:

NM_001368397.1(FRMPD4):c.2599A>G (p.Asn867Asp)

Gene: FRMPD4 (FERM and PDZ domain containing 4; plus strand). Cytogenetic location: Xp22.2.
Variant type: single nucleotide variant.
Coding change: c.2599A>G on transcript NM_001368397.1 (MANE Select); coding-DNA position 2599, A replaced by G.
Protein change: p.Asn867Asp; replaces asparagine 867 with aspartic acid.
Molecular consequence: missense variant.
Genome position (GRCh38, 1-based): chrX:12,717,058, A>G. VCF-style: chrX-12717058-A-G. GRCh37 (hg19) VCF-style: chrX-12735177-A-G.
Other names: c.2710A>G, p.Asn904Asp (NM_001368398.3, NM_001368395.3); c.2590A>G, p.Asn864Asp (NM_001368399.3); c.2479A>G, p.Asn827Asp (NM_001368400.3); c.2575A>G, p.Asn859Asp (NM_001368401.1, NM_001368402.3); c.2599A>G, p.Asn867Asp (NM_014728.3); c.2605A>G, p.Asn869Asp (NM_001368396.3); short protein forms N867D, N859D, N869D, N864D, N827D, N904D.
Identifiers: ClinVar variation 435268 (VCV000435268.16), dbSNP rs144170600, ClinGen allele CA10349475.

ClinVar aggregate classification (germline): Benign/Likely benign. Review status: criteria provided, multiple submitters, no conflicts (2 of 4 stars). 6 submissions from 6 submitters: Benign (2); Likely benign (3). 1 of the submissions does not count toward it. Last evaluated 2024-10-03.

Conditions:
FRMPD4-related disorder. Also called: FRMPD4-related condition.
Intellectual developmental disorder, X-linked 104. Also called: Intellectual disability, X-linked 104. Identifiers: MedGen C4310817, MONDO:0010509, OMIM 300983.

Allele frequency attached by ClinVar (database versions not stated): gnomAD 0.00015 and 0.00023; TOPMed 0.00016; ESP Exome Variant Server 0.00038; gnomAD exomes 0.00039 and 0.00066; ExAC 0.00076.
gnomAD v4.1: 461 of 1,206,761 alleles (0.038%); highest among the groups gnomAD compares: South Asian, 0.36%; 1 homozygote.

Submissions (6):

Blueprint Genetics
Classification: Likely benign. Last evaluated: 2024-10-03. Review status: criteria provided, single submitter. Criteria: ACMG Guidelines, 2015. Collection method: clinical testing. Allele origin: germline.

Genome-Nilou Lab
Classification: Benign for Intellectual developmental disorder, X-linked 104. Last evaluated: 2021-08-10. Review status: criteria provided, single submitter. Criteria: ACMG Guidelines, 2015. Collection method: clinical testing. Allele origin: germline. Affected: no.

Labcorp Genetics (formerly Invitae), Labcorp
Classification: Benign. Last evaluated: 2019-12-31. Review status: criteria provided, single submitter. Criteria: Invitae Variant Classification Sherloc (09022015). Collection method: clinical testing. Allele origin: germline.

Genetic Services Laboratory, University of Chicago
Classification: Likely benign. Last evaluated: 2015-11-16. Review status: criteria provided, single submitter. Criteria: ACMG Guidelines, 2015. Collection method: clinical testing. Allele origin: germline. Affected: no.

Breakthrough Genomics
Classification: Likely benign. Review status: criteria provided, single submitter. Criteria: ACMG Guidelines, 2015. Collection method: not provided. Allele origin: germline. Inheritance: X-linked inheritance. Affected: yes.

PreventionGenetics, part of Exact Sciences
Classification: Benign for FRMPD4-related condition. Last evaluated: 2019-08-09. Review status: no assertion criteria provided. Collection method: clinical testing. Allele origin: germline. Not counted in ClinVar's aggregate classification.
Comment: This variant is classified as benign based on ACMG/AMP sequence variant interpretation guidelines (Richards et al. 2015 PMID: 25741868, with internal and published modifications).